The following is an entry in ClinVar:

ClinVar aggregate classification (germline): Uncertain significance (1 of 4 stars; one submission).

Conditions:
Dyskeratosis congenita, autosomal recessive 5 (DKCB5). Identifiers: MedGen C3554656, MONDO:0014076, OMIM 615190.
Pulmonary fibrosis and/or bone marrow failure, Telomere-related, 3. Also called: PULMONARY FIBROSIS AND/OR BONE MARROW FAILURE SYNDROME, TELOMERE-RELATED, 3. Identifiers: Orphanet 2032, MedGen C4225346, MONDO:0014613, OMIM 616373.

gnomAD v4.1: 7 of 1,611,536 alleles (0.00043%); highest among the groups gnomAD compares: East Asian, 0.0045%; no homozygotes.

Submission:

Labcorp Genetics (formerly Invitae), Labcorp
Classification: Uncertain significance for Dyskeratosis congenita, autosomal recessive 5; Pulmonary fibrosis and/or bone marrow failure, Telomere-related, 3. Last evaluated: 2024-04-25. Review status: criteria provided, single submitter. Criteria: Invitae Variant Classification Sherloc (09022015). Collection method: clinical testing. Allele origin: germline.
Comment: This sequence change replaces arginine, which is basic and polar, with cysteine, which is neutral and slightly polar, at codon 702 of the RTEL1 protein (p.Arg702Cys). The frequency data for this variant in the population databases is considered unreliable, as metrics indicate poor data quality at this position in the gnomAD database. This variant has not been reported in the literature in individuals affected with RTEL1-related conditions. An algorithm developed to predict the effect of missense changes on protein structure and function (PolyPhen-2) suggests that this variant is likely to be disruptive. In summary, the available evidence is currently insufficient to determine the role of this variant in disease. Therefore, it has been classified as a Variant of Uncertain Significance.

NM_001283009.2(RTEL1):c.2104C>T (p.Arg702Cys)

Genes: RTEL1 (regulator of telomere elongation helicase 1; plus strand), RTEL1-TNFRSF6B (RTEL1-TNFRSF6B readthrough (NMD candidate); plus strand). Cytogenetic location: 20q13.33.
Variant type: single nucleotide variant.
Coding change: c.2104C>T on transcript NM_001283009.2 (MANE Select); coding-DNA position 2104, C replaced by T.
Protein change: p.Arg702Cys; replaces arginine 702 with cysteine.
Molecular consequence: missense variant. On other transcripts: non-coding transcript variant (1).
Genome position (GRCh38, 1-based): chr20:63,689,828, C>T. VCF-style: chr20-63689828-C-T. GRCh37 (hg19) VCF-style: chr20-62321181-C-T.
Other names: c.1435C>T, p.Arg479Cys (NM_001283010.1); c.2104C>T, p.Arg702Cys (NM_016434.4); c.2176C>T, p.Arg726Cys (NM_032957.5); short protein forms R479C, R702C, R726C.
Identifiers: ClinVar variation 3762141 (VCV003762141.2).